The following is an entry in ClinVar:

NM_032578.4(MYPN):c.1888G>A (p.Glu630Lys)

Gene: MYPN (myopalladin; plus strand). Cytogenetic location: 10q21.3.
Variant type: single nucleotide variant.
Coding change: c.1888G>A on transcript NM_032578.4 (MANE Select); coding-DNA position 1888, G replaced by A.
Protein change: p.Glu630Lys; replaces glutamic acid 630 with lysine.
Molecular consequence: missense variant. On other transcripts: non-coding transcript variant (2).
Genome position (GRCh38, 1-based): chr10:68,166,581, G>A. VCF-style: chr10-68166581-G-A. GRCh37 (hg19) VCF-style: chr10-69926338-G-A.
Other names: p.E630K:GAG>AAG; c.1888G>A, p.Glu630Lys (NM_001256267.2); c.1006G>A, p.Glu336Lys (NM_001256268.2); short protein forms E630K, E336K.
Identifiers: ClinVar variation 201885 (VCV000201885.10), dbSNP rs794729072, ClinGen allele CA335304.

ClinVar aggregate classification (germline): Uncertain significance. Review status: criteria provided, multiple submitters, no conflicts (2 of 4 stars). 3 submissions from 3 submitters: Uncertain significance (3). Last evaluated 2022-08-09.

Conditions:
MYPN-related myopathy (CMYO24). Also called: Nemaline myopathy 11, autosomal recessive. Identifiers: MedGen C4479186, MONDO:0015023, OMIM 617336.
Dilated cardiomyopathy 1KK (CMD1KK). Identifiers: Orphanet 154, Orphanet 75249, MedGen C3714995, MONDO:0014100, OMIM 615248.

Allele frequency attached by ClinVar (database versions not stated): gnomAD exomes below 0.00001 and 0.00001; TOPMed below 0.00001; gnomAD 0.00001.

Submissions (3):

Labcorp Genetics (formerly Invitae), Labcorp
Classification: Uncertain significance for Dilated cardiomyopathy 1KK. Last evaluated: 2022-08-09. Review status: criteria provided, single submitter. Criteria: Invitae Variant Classification Sherloc (09022015). Collection method: clinical testing. Allele origin: germline.
Comment: This sequence change replaces glutamic acid, which is acidic and polar, with lysine, which is basic and polar, at codon 630 of the MYPN protein (p.Glu630Lys). This variant is present in population databases (rs794729072, gnomAD 0.01%). This missense change has been observed in individual(s) with dilated cardiomyopathy (PMID: 26458567). ClinVar contains an entry for this variant (Variation ID: 201885). Algorithms developed to predict the effect of missense changes on protein structure and function (SIFT, PolyPhen-2, Align-GVGD) all suggest that this variant is likely to be tolerated. In summary, the available evidence is currently insufficient to determine the role of this variant in disease. Therefore, it has been classified as a Variant of Uncertain Significance.

Fulgent Genetics
Classification: Uncertain significance for Dilated cardiomyopathy 1KK; MYPN-related myopathy. Last evaluated: 2021-10-16. Review status: criteria provided, single submitter. Criteria: ACMG Guidelines, 2015. Collection method: clinical testing. Allele origin: unknown.

GeneDx
Classification: Uncertain significance. Last evaluated: 2018-06-07. Review status: criteria provided, single submitter. Criteria: GeneDx Variant Classification (06012015). Collection method: clinical testing. Allele origin: germline. Affected: yes.
Comment: This variant is denoted p.Glu630Lys (GAG>AAG): c.1888 G>A in exon 10 of the MYPN gene (NM_032578.3). The E630K variant has not been published as a mutation, nor has it been reported as a benign polymorphism to our knowledge. The E630K variant was not observed in approximately 6,500 individuals of European and African American ancestry in the NHLBI Exome Sequencing Project, indicating it is not a common benign variant in these populations. The E630K variant is a non-conservative amino acid substitution, which is likely to impact secondary protein structure as these residues differ in polarity, charge, size and/or other properties. This substitution occurs at a position that is not well-conserved across species. In silico analysis predicts this variant likely does not alter the protein structure/function. Additionally, there are no missense mutations in nearby residues reported in association with cardiomyopathy, indicating that this region of the protein may be tolerant of change. Therefore, based on the currently available information, it is unclear whether this variant is a pathogenic mutation or a rare benign variant. The variant is found in CARDIOMYOPATHY panel(s).

Literature cited by the submitters: PubMed 26458567 (cited by Labcorp Genetics (formerly Invitae), Labcorp).